The following is an entry in ClinVar:

NM_003482.4(KMT2D):c.16350C>T (p.Ile5450=)

Gene: KMT2D (lysine methyltransferase 2D; minus strand). Cytogenetic location: 12q13.12.
Variant type: single nucleotide variant.
Coding change: c.16350C>T on transcript NM_003482.4 (MANE Select); coding-DNA position 16350, C replaced by T.
Protein change: p.Ile5450=; no amino-acid change (isoleucine 5450 retained).
Molecular consequence: synonymous variant.
Genome position (GRCh38, 1-based): chr12:49,022,342, G>A on the plus strand (C>T on the coding strand, the complement: KMT2D is on the minus strand). VCF-style: chr12-49022342-G-A. GRCh37 (hg19) VCF-style: chr12-49416125-G-A.
Identifiers: ClinVar variation 3344771 (VCV003344771.1).

ClinVar aggregate classification (germline): Likely benign (0 of 4 stars; one submission).

Conditions:
KMT2D-related disorder. Also called: KMT2D-Related Disorders.

gnomAD v4.1: 4 of 1,605,764 alleles (0.00025%); highest among the groups gnomAD compares: Non-Finnish European, 0.00026%; no homozygotes.

Submission:

PreventionGenetics, part of Exact Sciences
Classification: Likely benign for KMT2D-related condition. Last evaluated: 2024-04-18. Review status: no assertion criteria provided. Collection method: clinical testing. Allele origin: germline.
Comment: This variant is classified as likely benign based on ACMG/AMP sequence variant interpretation guidelines (Richards et al. 2015 PMID: 25741868, with internal and published modifications).